The following is an entry in ClinVar:

ClinVar aggregate classification (germline): Uncertain significance (1 of 4 stars; one submission).

Conditions:
DiGeorge syndrome. Also called: THIRD AND FOURTH PHARYNGEAL POUCH SYNDROME; Catch22. Identifiers: Orphanet 567, MedGen C0012236, MONDO:0008564, OMIM 188400.

Allele frequency attached by ClinVar (database versions not stated): gnomAD exomes below 0.00001; TOPMed below 0.00001.
gnomAD v4.1: 1 of 1,545,396 alleles (0.000065%); highest among the groups gnomAD compares: Non-Finnish European, 0.000087%; no homozygotes.

Submission:

Labcorp Genetics (formerly Invitae), Labcorp
Classification: Uncertain significance for DiGeorge syndrome. Last evaluated: 2024-04-09. Review status: criteria provided, single submitter. Criteria: Invitae Variant Classification Sherloc (09022015). Collection method: clinical testing. Allele origin: germline.
Comment: This sequence change falls in intron 3 of the TBX1 gene. It does not directly change the encoded amino acid sequence of the TBX1 protein. It affects a nucleotide within the consensus splice site. This variant is not present in population databases (gnomAD no frequency). This variant has not been reported in the literature in individuals affected with TBX1-related conditions. ClinVar contains an entry for this variant (Variation ID: 1036398). Variants that disrupt the consensus splice site are a relatively common cause of aberrant splicing (PMID: 17576681, 9536098). Algorithms developed to predict the effect of sequence changes on RNA splicing suggest that this variant is not likely to affect RNA splicing. In summary, the available evidence is currently insufficient to determine the role of this variant in disease. Therefore, it has been classified as a Variant of Uncertain Significance.

Literature cited by the submitters: PubMed 17576681; PubMed 9536098.

NM_001379200.1(TBX1):c.437+3C>T

Gene: TBX1 (T-box transcription factor 1; plus strand). Cytogenetic location: 22q11.21.
Variant type: single nucleotide variant.
Coding change: c.437+3C>T on transcript NM_001379200.1 (MANE Select); 3 bases into the intron after coding-DNA position 437, C replaced by T.
Molecular consequence: intron variant.
Genome position (GRCh38, 1-based): chr22:19,761,283, C>T. VCF-style: chr22-19761283-C-T. GRCh37 (hg19) VCF-style: chr22-19748806-C-T.
Other names: c.410+3C>T (NM_005992.1, NM_080646.2, NM_080647.1).
Identifiers: ClinVar variation 1036398 (VCV001036398.9), dbSNP rs759797253, ClinGen allele CA751458441.